The following is an entry in ClinVar:

NM_153704.6(TMEM67):c.703_708del (p.Ala235_Ala236del)

Gene: TMEM67 (transmembrane protein 67; plus strand). Cytogenetic location: 8q22.1.
Variant type: Deletion.
Coding change: c.703_708del on transcript NM_153704.6 (MANE Select); coding-DNA positions 703 to 708, 6 bases deleted (GCTGCA; older notation c.703_708delGCTGCA).
Protein change: p.Ala235_Ala236del.
Molecular consequence: inframe deletion. On other transcripts: non-coding transcript variant (1), inframe indel (1).
Genome position (GRCh38, 1-based): chr8:93,772,640-93,772,645, GCTGCA deleted; deleting any 6 consecutive bases within chr8:93,772,637-93,772,645 gives the same sequence; the c. name uses the placement nearest the transcript's 3' end. VCF-style (leftmost placement, unchanged base first): chr8-93772636-AGCAGCT-A. GRCh37 (hg19) VCF-style: chr8-94784864-AGCAGCT-A.
Other names: c.460_465del, p.Ala154_Ala155del (NM_001142301.1); c.703_708del6 (NM_153704.5).
Identifiers: ClinVar variation 4998533 (VCV004998533.1).

ClinVar aggregate classification (germline): Uncertain significance (1 of 4 stars; one submission).

Conditions:
TMEM67-related disorder. Also called: TMEM67-related condition; TMEM67-related disorders. Identifiers: MedGen CN239423.

Submission:

PreventionGenetics, part of Exact Sciences
Classification: Uncertain significance for TMEM67-related condition. Last evaluated: 2024-12-17. Review status: criteria provided, single submitter. Criteria: ACMG Guidelines, 2015. Collection method: clinical testing. Allele origin: germline.
Comment: The TMEM67 c.703_708del6 variant is predicted to result in an in-frame deletion (p.Ala235_Ala236del). To our knowledge, this variant has not been reported in the literature or in a large population database (gnomAD), indicating this variant is rare. At this time, the clinical significance of this variant is uncertain due to the absence of conclusive functional and genetic evidence.